The following is an entry in ClinVar:

NM_000836.4(GRIN2D):c.2446A>C (p.Ile816Leu)

Gene: GRIN2D (glutamate ionotropic receptor NMDA type subunit 2D; plus strand). Cytogenetic location: 19q13.33.
Variant type: single nucleotide variant.
Coding change: c.2446A>C on transcript NM_000836.4 (MANE Select); coding-DNA position 2446, A replaced by C.
Protein change: p.Ile816Leu; replaces isoleucine 816 with leucine.
Molecular consequence: missense variant.
Genome position (GRCh38, 1-based): chr19:48,442,155, A>C. VCF-style: chr19-48442155-A-C. GRCh37 (hg19) VCF-style: chr19-48945412-A-C.
Other names: short protein forms I816L.
Identifiers: ClinVar variation 1365209 (VCV001365209.8), dbSNP rs2147475311, ClinGen allele CA406670022.

ClinVar aggregate classification (germline): Uncertain significance (1 of 4 stars; one submission).

Submission:

Labcorp Genetics (formerly Invitae), Labcorp
Classification: Uncertain significance. Last evaluated: 2022-07-05. Review status: criteria provided, single submitter. Criteria: Invitae Variant Classification Sherloc (09022015). Collection method: clinical testing. Allele origin: germline.
Comment: In summary, the available evidence is currently insufficient to determine the role of this variant in disease. Therefore, it has been classified as a Variant of Uncertain Significance. Algorithms developed to predict the effect of missense changes on protein structure and function are either unavailable or do not agree on the potential impact of this missense change (SIFT: "Tolerated"; PolyPhen-2: "Possibly Damaging"; Align-GVGD: "Class C0"). ClinVar contains an entry for this variant (Variation ID: 1365209). This variant has not been reported in the literature in individuals affected with GRIN2D-related conditions. This variant is not present in population databases (gnomAD no frequency). This sequence change replaces isoleucine, which is neutral and non-polar, with leucine, which is neutral and non-polar, at codon 816 of the GRIN2D protein (p.Ile816Leu).